The following is an entry in ClinVar:

NM_000179.3(MSH6):c.2246G>C (p.Gly749Ala)

Gene: MSH6 (mutS homolog 6; plus strand). Cytogenetic location: 2p16.3.
Variant type: single nucleotide variant.
Coding change: c.2246G>C on transcript NM_000179.3 (MANE Select); coding-DNA position 2246, G replaced by C.
Protein change: p.Gly749Ala; replaces glycine 749 with alanine.
Molecular consequence: missense variant.
Genome position (GRCh38, 1-based): chr2:47,800,229, G>C. VCF-style: chr2-47800229-G-C. GRCh37 (hg19) VCF-style: chr2-48027368-G-C.
Other names: c.1856G>C, p.Gly619Ala (NM_001281492.2); c.1340G>C, p.Gly447Ala (NM_001281493.2, NM_001281494.2); short protein forms G619A, G749A, G447A.
Identifiers: ClinVar variation 1519872 (VCV001519872.9), dbSNP rs1060502916, ClinGen allele CA346752637.
Genomic context (GRCh38, chr2:47,800,229, plus strand): 5'-CCTATCAACGAATGGTGCTAGATGCAGTGACATTAAACAACTTGGAGATTTTTCTGAATG[G>C]AACAAATGGTTCTACTGAAGGAACCCTACTAGAGAGGGTTGATACTTGCCATACTCCTTT-3'
Protein context (NP_000170.1, residues 739-759): TLNNLEIFLN[Gly749Ala]TNGSTEGTLL

ClinVar aggregate classification (germline): Uncertain significance. Review status: criteria provided, multiple submitters, no conflicts (2 of 4 stars). 2 submissions from 2 submitters: Uncertain significance (2). Last evaluated 2024-04-22.

Conditions:
Hereditary nonpolyposis colorectal neoplasms. Identifiers: MedGen C0009405, MeSH D003123.
Hereditary cancer-predisposing syndrome. Also called: Hereditary neoplastic syndrome; Hereditary Cancer Syndrome; Tumor predisposition; Neoplastic Syndromes, Hereditary. Identifiers: Orphanet 140162, MedGen C0027672, MeSH D009386, MONDO:0015356.

Submissions (2):

Labcorp Genetics (formerly Invitae), Labcorp
Classification: Uncertain significance for Hereditary nonpolyposis colorectal neoplasms. Last evaluated: 2024-04-22. Review status: criteria provided, single submitter. Criteria: Invitae Variant Classification Sherloc (09022015). Collection method: clinical testing. Allele origin: germline.
Comment: This sequence change replaces glycine, which is neutral and non-polar, with alanine, which is neutral and non-polar, at codon 749 of the MSH6 protein (p.Gly749Ala). This variant is not present in population databases (gnomAD no frequency). This missense change has been observed in individual(s) with clinical features of Lynch syndrome (PMID: 24710284). ClinVar contains an entry for this variant (Variation ID: 1519872). Advanced modeling of protein sequence and biophysical properties (such as structural, functional, and spatial information, amino acid conservation, physicochemical variation, residue mobility, and thermodynamic stability) performed at Invitae indicates that this missense variant is not expected to disrupt MSH6 protein function with a negative predictive value of 95%. In summary, the available evidence is currently insufficient to determine the role of this variant in disease. Therefore, it has been classified as a Variant of Uncertain Significance.

Ambry Genetics
Classification: Uncertain significance for Hereditary cancer-predisposing syndrome. Last evaluated: 2022-03-22. Review status: criteria provided, single submitter. Criteria: Ambry Variant Classification Scheme 2023. Collection method: clinical testing. Allele origin: germline.
Comment: The p.G749A variant (also known as c.2246G>C), located in coding exon 4 of the MSH6 gene, results from a G to C substitution at nucleotide position 2246. The glycine at codon 749 is replaced by alanine, an amino acid with similar properties. This alteration was identified in one individual that fulfilled either Amsterdam I or Amsterdam II criteria (Liu Y et al. PLoS One, 2014 Apr;9:e94170). This amino acid position is well conserved in available vertebrate species. In addition, this alteration is predicted to be tolerated by in silico analysis. Since supporting evidence is limited at this time, the clinical significance of this alteration remains unclear.

Literature cited by the submitters: PubMed 24710284 (cited by Labcorp Genetics (formerly Invitae), Labcorp and Ambry Genetics).